The following is an entry in ClinVar:

ClinVar aggregate classification (germline): Uncertain significance (1 of 4 stars; one submission).

gnomAD v4.1: 1 of 1,597,008 alleles (0.000063%); highest among the groups gnomAD compares: Non-Finnish European, 0.000085%; no homozygotes.

Submission:

GeneDx
Classification: Uncertain significance. Last evaluated: 2025-04-04. Review status: criteria provided, single submitter. Criteria: GeneDx Variant Classification Process June 2021. Collection method: clinical testing. Allele origin: germline. Affected: yes.
Comment: In silico analysis supports that this missense variant has a deleterious effect on protein structure/function; Has not been previously published as pathogenic or benign to our knowledge

NM_139318.5(KCNH5):c.421G>T (p.Asp141Tyr)

Gene: KCNH5 (potassium voltage-gated channel subfamily H member 5; minus strand). Cytogenetic location: 14q23.2.
Variant type: single nucleotide variant.
Coding change: c.421G>T on transcript NM_139318.5 (MANE Select); coding-DNA position 421, G replaced by T.
Protein change: p.Asp141Tyr; replaces aspartic acid 141 with tyrosine.
Molecular consequence: missense variant.
Genome position (GRCh38, 1-based): chr14:63,001,343, C>A on the plus strand (G>T on the coding strand, the complement: KCNH5 is on the minus strand). VCF-style: chr14-63001343-C-A. GRCh37 (hg19) VCF-style: chr14-63468061-C-A.
Other names: c.421G>T, p.Asp141Tyr (NM_172375.3); short protein forms D141Y.
Identifiers: ClinVar variation 4282502 (VCV004282502.1).